The following is an entry in ClinVar:

NM_002609.4(PDGFRB):c.1621del (p.Leu541fs)

Gene: PDGFRB (platelet derived growth factor receptor beta; minus strand). Cytogenetic location: 5q32.
Variant type: Deletion.
Coding change: c.1621del on transcript NM_002609.4 (MANE Select); coding-DNA position 1621, one base deleted (C; older notation c.1621delC).
Protein change: p.Leu541fs; shifts the reading frame from leucine 541.
Molecular consequence: frameshift variant.
Genome position (GRCh38, 1-based): chr5:150,126,573, G deleted on the plus strand (C on the coding strand, the reverse complement: PDGFRB is on the minus strand); the first of 3 consecutive G bases (chr5:150,126,573-150,126,575); deleting any one gives the same sequence. VCF-style (leftmost placement, unchanged base first): chr5-150126572-AG-A. GRCh37 (hg19) VCF-style: chr5-149506135-AG-A.
Other names: c.1429del, p.Leu477fs (NM_001355016.2); c.1138del, p.Leu380fs (NM_001355017.2); short protein forms L380fs, L477fs, L541fs.
Identifiers: ClinVar variation 4086404 (VCV004086404.1).

ClinVar aggregate classification (germline): Uncertain significance (1 of 4 stars; one submission).

Submission:

GeneDx
Classification: Uncertain significance. Last evaluated: 2025-03-21. Review status: criteria provided, single submitter. Criteria: GeneDx Variant Classification Process June 2021. Collection method: clinical testing. Allele origin: germline. Affected: yes.
Comment: Not observed at significant frequency in large population cohorts (gnomAD); Frameshift variant predicted to result in protein truncation or nonsense mediated decay in a gene or region of a gene for which loss of function is not a well-established mechanism of disease; Has not been previously published as pathogenic or benign to our knowledge